The following is an entry in ClinVar:

ClinVar aggregate classification (germline): Likely benign (0 of 4 stars; one submission).

Conditions:
PLXNA4-related disorder. Also called: PLXNA4-related condition.

gnomAD v4.1: 10 of 1,613,800 alleles (0.00062%); highest among the groups gnomAD compares: Non-Finnish European, 0.00085%; no homozygotes.

Submission:

PreventionGenetics, part of Exact Sciences
Classification: Likely benign for PLXNA4-related condition. Last evaluated: 2024-03-13. Review status: no assertion criteria provided. Collection method: clinical testing. Allele origin: germline.
Comment: This variant is classified as likely benign based on ACMG/AMP sequence variant interpretation guidelines (Richards et al. 2015 PMID: 25741868, with internal and published modifications).

NM_020911.2(PLXNA4):c.5259G>A (p.Lys1753=)

Gene: PLXNA4 (plexin A4; minus strand). Cytogenetic location: 7q32.3.
Variant type: single nucleotide variant.
Coding change: c.5259G>A on transcript NM_020911.2 (MANE Select); coding-DNA position 5259, G replaced by A.
Protein change: p.Lys1753=; no amino-acid change (lysine 1753 retained).
Molecular consequence: synonymous variant.
Genome position (GRCh38, 1-based): chr7:132,140,778, C>T on the plus strand (G>A on the coding strand, the complement: PLXNA4 is on the minus strand). VCF-style: chr7-132140778-C-T. GRCh37 (hg19) VCF-style: chr7-131825537-C-T.
Other names: c.5259G>A, p.Lys1753= (NM_001393897.1).
Identifiers: ClinVar variation 3357749 (VCV003357749.1).